The following is an entry in ClinVar:

ClinVar aggregate classification (germline): Pathogenic/Likely pathogenic. Review status: criteria provided, multiple submitters, no conflicts (2 of 4 stars). 2 submissions from 2 submitters: Pathogenic (1); Likely pathogenic (1). Last evaluated 2025-03-04.

Conditions:
Familial adenomatous polyposis 2. Also called: COLORECTAL ADENOMATOUS POLYPOSIS, AUTOSOMAL RECESSIVE; ADENOMAS, MULTIPLE COLORECTAL, AUTOSOMAL RECESSIVE; MUTYH-associated polyposis; MUTYH Polyposis; Adenomas, multiple colorectal; MUTYH-related attenuated familial adenomatous polyposis. Identifiers: Orphanet 220460, Orphanet 247798, MedGen C3272841, MONDO:0012041, OMIM 608456.

Submissions (2):

Center for Genomic Medicine, Rigshospitalet, Copenhagen University Hospital
Classification: Likely pathogenic. Last evaluated: 2025-03-04. Review status: criteria provided, single submitter. Criteria: ACMG Guidelines, 2015. Collection method: clinical testing. Allele origin: germline.

Labcorp Genetics (formerly Invitae), Labcorp
Classification: Pathogenic for Familial adenomatous polyposis 2. Last evaluated: 2022-05-21. Review status: criteria provided, single submitter. Criteria: Invitae Variant Classification Sherloc (09022015). Collection method: clinical testing. Allele origin: germline.
Comment: For these reasons, this variant has been classified as Pathogenic. Algorithms developed to predict the effect of sequence changes on RNA splicing suggest that this variant may create or strengthen a splice site. This variant has not been reported in the literature in individuals affected with MUTYH-related conditions. This variant is not present in population databases (gnomAD no frequency). This sequence change creates a premature translational stop signal (p.Glu134Glyfs*118) in the MUTYH gene. It is expected to result in an absent or disrupted protein product. Loss-of-function variants in MUTYH are known to be pathogenic (PMID: 18534194, 20663686).

Literature cited by the submitters: PubMed 18534194 (cited by Labcorp Genetics (formerly Invitae), Labcorp); PubMed 20663686 (cited by Labcorp Genetics (formerly Invitae), Labcorp).

NM_001048174.2(MUTYH):c.317_318del (p.Glu106fs)

Gene: MUTYH (mutY DNA glycosylase; minus strand). Cytogenetic location: 1p34.1.
Variant type: Microsatellite.
Coding change: c.317_318del on transcript NM_001048174.2 (MANE Select); coding-DNA positions 317 to 318, 2 bases deleted (AG; older notation c.317_318delAG).
Protein change: p.Glu106fs; shifts the reading frame from glutamic acid 106.
Molecular consequence: frameshift variant. On other transcripts: non-coding transcript variant (1), intron variant (2).
Genome position (GRCh38, 1-based): chr1:45,333,157-45,333,158, CT deleted on the plus strand (AG on the coding strand, the reverse complement: MUTYH is on the minus strand); deleting any 2 consecutive bases within chr1:45,333,157-45,333,160 gives the same sequence; the c. name uses the placement nearest the transcript's 3' end. VCF-style (leftmost placement, unchanged base first): chr1-45333156-CCT-C. GRCh37 (hg19) VCF-style: chr1-45798828-CCT-C.
Other names: c.317_318del, p.Glu106fs (NM_001048171.2, NM_001048173.2, NM_001293195.2); c.320_321del, p.Glu107fs (NM_001048172.2); c.401_402del, p.Glu134fs (NM_001128425.2); c.362_363del, p.Glu121fs (NM_001293190.2); c.350_351del, p.Glu117fs (NM_001293191.2); c.41_42del, p.Glu14fs (NM_001293192.2, NM_001293196.2); c.392_393del, p.Glu131fs (NM_012222.3); c.33+127_33+128del (NM_001350651.2, NM_001350650.2); and 1 more; short protein forms E131fs, E134fs, E14fs, E106fs, E107fs, E117fs, E121fs.
Identifiers: ClinVar variation 1451389 (VCV001451389.11), dbSNP rs2149166157, ClinGen allele CA2580611209.